The following is an entry in ClinVar:

ClinVar aggregate classification (germline): Likely benign (1 of 4 stars; one submission).

Allele frequency attached by ClinVar (database versions not stated): 1000 Genomes Project 0.01138; 1000 Genomes Project 30x 0.01327; TOPMed 0.02252; gnomAD 0.02450 and 0.02565.
gnomAD v4.1: 3,767 of 152,344 alleles (2.5%); highest among the groups gnomAD compares: Non-Finnish European, 3.8%; 79 homozygotes.

Submission:

GeneDx
Classification: Likely benign. Last evaluated: 2018-06-14. Review status: criteria provided, single submitter. Criteria: GeneDx Variant Classification (06012015). Collection method: clinical testing. Allele origin: germline. Affected: yes.
Comment: This variant is considered likely benign or benign based on one or more of the following criteria: it is a conservative change, it occurs at a poorly conserved position in the protein, it is predicted to be benign by multiple in silico algorithms, and/or has population frequency not consistent with disease.

NM_001148.6(ANK2):c.694-160T>C

Gene: ANK2 (ankyrin 2; plus strand). Cytogenetic location: 4q26.
Variant type: single nucleotide variant.
Coding change: c.694-160T>C on transcript NM_001148.6 (MANE Select); 160 bases into the intron before coding-DNA position 694, T replaced by C.
Molecular consequence: intron variant.
Genome position (GRCh38, 1-based): chr4:113,240,325, T>C. VCF-style: chr4-113240325-T-C. GRCh37 (hg19) VCF-style: chr4-114161481-T-C.
Other names: c.682-160T>C (NM_001386186.2, NM_001386148.2, NM_001354269.3); c.658-160T>C (NM_001386187.2); c.652-160T>C (NM_001386147.1, NM_001386160.1, NM_001354261.2); c.631-160T>C (NM_001354254.2, NM_001354239.2, NM_001354252.2 and 14 more transcripts); c.607-160T>C (NM_001354249.2, NM_001354266.2, NM_001354276.2 and 16 more transcripts); c.739-160T>C (NM_001354241.2, NM_001386152.1, NM_001354237.2 and 5 more transcripts); c.694-160T>C (NM_001354225.2, NM_001354235.2, NM_001354246.2 and 9 more transcripts); c.745-160T>C (NM_001386174.1); and 1 more.
Identifiers: ClinVar variation 672178 (VCV000672178.1), dbSNP rs362505, ClinGen allele CA103797130.
Genomic context (GRCh38, chr4:113,240,325, plus strand): 5'-TGCCATGAATATTATGCCAATAAATGTAGAATATTTATTTACTTTTTATATGTTTAGTTA[T>C]GTACCACCTTATAACATTAAGATTTAAGATCTTACTAAAGCATTTATTATTGCTTATATA-3'